The following is an entry in ClinVar:

NM_000426.4(LAMA2):c.5984T>C (p.Leu1995Pro)

Gene: LAMA2 (laminin subunit alpha 2; plus strand). Cytogenetic location: 6q22.33.
Variant type: single nucleotide variant.
Coding change: c.5984T>C on transcript NM_000426.4 (MANE Select); coding-DNA position 5984, T replaced by C.
Protein change: p.Leu1995Pro; replaces leucine 1995 with proline.
Molecular consequence: missense variant.
Genome position (GRCh38, 1-based): chr6:129,438,661, T>C. VCF-style: chr6-129438661-T-C. GRCh37 (hg19) VCF-style: chr6-129759806-T-C.
Other names: c.5984T>C, p.Leu1995Pro (NM_001079823.2); short protein forms L1995P.
Identifiers: ClinVar variation 966600 (VCV000966600.9), dbSNP rs983616957, ClinGen allele CA146915461.

ClinVar aggregate classification (germline): Uncertain significance. Review status: criteria provided, multiple submitters, no conflicts (2 of 4 stars). 2 submissions from 2 submitters: Uncertain significance (2). Last evaluated 2022-02-22.

Conditions:
LAMA2-related muscular dystrophy (LAMA2-RD). Also called: Laminin alpha 2-related dystrophy. Identifiers: MedGen C5679788, MONDO:0100228.

Allele frequency attached by ClinVar (database versions not stated): gnomAD exomes below 0.00001; gnomAD 0.00002; TOPMed 0.00005.
gnomAD v4.1: 5 of 1,591,570 alleles (0.00031%); highest among the groups gnomAD compares: African/African-American, 0.0067%; no homozygotes.

Submissions (2):

Labcorp Genetics (formerly Invitae), Labcorp
Classification: Uncertain significance for LAMA2-related muscular dystrophy. Last evaluated: 2022-02-22. Review status: criteria provided, single submitter. Criteria: Invitae Variant Classification Sherloc (09022015). Collection method: clinical testing. Allele origin: germline.
Comment: This sequence change replaces leucine, which is neutral and non-polar, with proline, which is neutral and non-polar, at codon 1995 of the LAMA2 protein (p.Leu1995Pro). This variant is present in population databases (no rsID available, gnomAD 0.01%). This variant has not been reported in the literature in individuals affected with LAMA2-related conditions. ClinVar contains an entry for this variant (Variation ID: 966600). Advanced modeling of protein sequence and biophysical properties (such as structural, functional, and spatial information, amino acid conservation, physicochemical variation, residue mobility, and thermodynamic stability) performed at Invitae indicates that this missense variant is not expected to disrupt LAMA2 protein function. In summary, the available evidence is currently insufficient to determine the role of this variant in disease. Therefore, it has been classified as a Variant of Uncertain Significance.

GeneDx
Classification: Uncertain significance. Last evaluated: 2020-12-30. Review status: criteria provided, single submitter. Criteria: GeneDx Variant Classification Process June 2021. Collection method: clinical testing. Allele origin: germline. Affected: yes.
Comment: Not observed at a significant frequency in large population cohorts (Lek et al., 2016); In silico analysis supports that this missense variant has a deleterious effect on protein structure/function; Has not been previously published as pathogenic or benign to our knowledge